The following is an entry in ClinVar:

NM_004304.5(ALK):c.2168T>A (p.Ile723Asn)

Gene: ALK (ALK receptor tyrosine kinase; minus strand). Cytogenetic location: 2p23.2.
Variant type: single nucleotide variant.
Coding change: c.2168T>A on transcript NM_004304.5 (MANE Select); coding-DNA position 2168, T replaced by A.
Protein change: p.Ile723Asn; replaces isoleucine 723 with asparagine.
Molecular consequence: missense variant.
Genome position (GRCh38, 1-based): chr2:29,251,141, A>T on the plus strand (T>A on the coding strand, the complement: ALK is on the minus strand). VCF-style: chr2-29251141-A-T. GRCh37 (hg19) VCF-style: chr2-29474007-A-T.
Other names: short protein forms I723N.
Identifiers: ClinVar variation 1787017 (VCV001787017.2), dbSNP rs1664804969, ClinGen allele CA346476802.
Genomic context (GRCh38, chr2:29,251,141, plus strand): 5'-CCCCTCCCCCTCTTCCATACGCACCTGTAGGTGTCGGTGGCTGGCACCTTCCAGATCTGG[A>T]TGCCTTTCAGGGGGCCCTCGCTCCCCACCTCCACGCTCAGGTTGGAGTTCTGGTAGGCGT-3'
Protein context (NP_004295.2, residues 713-733): EVGSEGPLKG[Ile723Asn]QIWKVPATDT

ClinVar aggregate classification (germline): Uncertain significance (1 of 4 stars; one submission).

Conditions:
Hereditary cancer-predisposing syndrome. Also called: Neoplastic Syndromes, Hereditary; Tumor predisposition; Hereditary Cancer Syndrome; Hereditary neoplastic syndrome. Identifiers: Orphanet 140162, MedGen C0027672, MeSH D009386, MONDO:0015356.

Submission:

Ambry Genetics
Classification: Uncertain significance for Hereditary cancer-predisposing syndrome. Last evaluated: 2022-02-05. Review status: criteria provided, single submitter. Criteria: Ambry Variant Classification Scheme 2023. Collection method: clinical testing. Allele origin: germline.
Comment: The p.I723N variant (also known as c.2168T>A), located in coding exon 12 of the ALK gene, results from a T to A substitution at nucleotide position 2168. The isoleucine at codon 723 is replaced by asparagine, an amino acid with dissimilar properties. This amino acid position is conserved. In addition, the in silico prediction for this alteration is inconclusive. Since supporting evidence is limited at this time, the clinical significance of this alteration remains unclear.